The following is an entry in ClinVar:

NM_002474.3(MYH11):c.1110G>T (p.Ala370=)

Gene: MYH11 (myosin heavy chain 11; minus strand). Cytogenetic location: 16p13.11.
Variant type: single nucleotide variant.
Coding change: c.1110G>T on transcript NM_002474.3 (MANE Select); coding-DNA position 1110, G replaced by T.
Protein change: p.Ala370=; no amino-acid change (alanine 370 retained).
Molecular consequence: synonymous variant.
Genome position (GRCh38, 1-based): chr16:15,763,815, C>A on the plus strand (G>T on the coding strand, the complement: MYH11 is on the minus strand). VCF-style: chr16-15763815-C-A. GRCh37 (hg19) VCF-style: chr16-15857672-C-A.
Other names: c.1131G>T, p.Ala377= (NM_001040113.2, NM_001040114.2); c.1110G>T, p.Ala370= (NM_022844.3).
Identifiers: ClinVar variation 519922 (VCV000519922.9), dbSNP rs746485704, ClinGen allele CA278591862.
Genomic context (GRCh38, chr16:15,763,815, plus strand): 5'-AACCCCAAAGTCATTGGTCATCAGGAAAAAGTGGCAAGTACCTGTGTTATCTGGCATGGA[C>A]GCCTGGTCTGTGTTTCTTTCCTTCTTGAAGACGATATTTCCAAGCTGCAGGACCGATGAT-3'
Protein context (NP_002465.1, residues 360-380): VFKKERNTDQ[Ala370=]SMPDNTAAQK

ClinVar aggregate classification (germline): Likely benign. Review status: criteria provided, multiple submitters, no conflicts (2 of 4 stars). 3 submissions from 3 submitters: Likely benign (3). Last evaluated 2023-08-08.

Conditions:
Aortic aneurysm, familial thoracic 4 (AAT4). Also called: AORTIC ANEURYSM/AORTIC DISSECTION AND PATENT DUCTUS ARTERIOSUS. Identifiers: MedGen C1851504, MONDO:0007568, OMIM 132900.
Familial thoracic aortic aneurysm and aortic dissection (TAAD). Also called: Thoracic aortic aneurysms and dissections. Identifiers: Orphanet 91387, MedGen C4707243, MONDO:0019625.

gnomAD v4.1: 3 of 1,408,282 alleles (0.00021%); highest among the groups gnomAD compares: Non-Finnish European, 0.00028%; no homozygotes.

Submissions (3):

Labcorp Genetics (formerly Invitae), Labcorp
Classification: Likely benign for Aortic aneurysm, familial thoracic 4. Last evaluated: 2023-08-08. Review status: criteria provided, single submitter. Criteria: Invitae Variant Classification Sherloc (09022015). Collection method: clinical testing. Allele origin: germline.

All of Us Research Program, National Institutes of Health
Classification: Likely benign for Familial thoracic aortic aneurysm and aortic dissection. Last evaluated: 2023-05-04. Review status: criteria provided, single submitter. Criteria: ACMG Guidelines, 2015. Collection method: clinical testing. Allele origin: germline. Inheritance: Autosomal dominant inheritance. Observed: 1 variant allele, 1 heterozygote.
Comment: This study involves interpretation of variants in research participants for the purpose of population health screening. Participant phenotype was not available at the time of variant classification. Additional details can be found in publication PMID: 35346344, PMCID: PMC8962531

Ambry Genetics
Classification: Likely benign for Familial thoracic aortic aneurysm and aortic dissection. Last evaluated: 2016-01-12. Review status: criteria provided, single submitter. Criteria: Ambry Variant Classification Scheme 2023. Collection method: clinical testing. Allele origin: germline.